The following is an entry in ClinVar:

ClinVar aggregate classification (germline): Conflicting classifications of pathogenicity. Review status: criteria provided, conflicting classifications (1 of 4 stars). 9 submissions from 7 submitters: Uncertain significance (3); Benign (1); Likely benign (4). 1 of the submissions does not count toward it. Last evaluated 2026-01-19.

Conditions:
Inborn genetic diseases. Identifiers: MedGen C0950123, MeSH D030342.
Leber congenital amaurosis 6 (LCA6). Identifiers: Orphanet 65, MedGen C1854260, MONDO:0013446, OMIM 613826.
Cone-rod dystrophy 13 (CORD13). Identifiers: Orphanet 1872, MedGen C2750720, MONDO:0011987, OMIM 608194.
RPGRIP1-related disorder. Also called: RPGRIP1-related condition.

Allele frequency attached by ClinVar (database versions not stated): gnomAD 0.00127; 1000 Genomes Project 0.00160; 1000 Genomes Project 30x 0.00172; ESP Exome Variant Server 0.00173; TOPMed 0.00182.
gnomAD v4.1: 455 of 1,587,964 alleles (0.029%); highest among the groups gnomAD compares: African/African-American, 0.55%; no homozygotes.

Submissions (9):

Labcorp Genetics (formerly Invitae), Labcorp
Classification: Likely benign for Leber congenital amaurosis 6; Cone-rod dystrophy 13. Last evaluated: 2026-01-19. Review status: criteria provided, single submitter. Criteria: Invitae Variant Classification Sherloc (09022015). Collection method: clinical testing. Allele origin: germline.

Ambry Genetics
Classification: Uncertain significance for Inborn genetic diseases. Last evaluated: 2025-02-08. Review status: criteria provided, single submitter. Criteria: Ambry Variant Classification Scheme 2023. Collection method: clinical testing. Allele origin: germline.

Blueprint Genetics
Classification: Likely benign. Last evaluated: 2024-07-14. Review status: criteria provided, single submitter. Criteria: ACMG Guidelines, 2015. Collection method: clinical testing. Allele origin: germline.

Genome-Nilou Lab
Classification: Likely benign for Leber congenital amaurosis 6. Last evaluated: 2021-11-07. Review status: criteria provided, single submitter. Criteria: ACMG Guidelines, 2015. Collection method: clinical testing. Allele origin: germline. Affected: no.

Genome-Nilou Lab
Classification: Likely benign for Cone-rod dystrophy 13. Last evaluated: 2021-11-07. Review status: criteria provided, single submitter. Criteria: ACMG Guidelines, 2015. Collection method: clinical testing. Allele origin: germline. Affected: no.

Illumina Laboratory Services, Illumina
Classification: Uncertain significance for Cone-rod dystrophy 13. Last evaluated: 2018-01-13. Review status: criteria provided, single submitter. Criteria: ICSL Variant Classification Criteria 13 December 2019. Collection method: clinical testing. Allele origin: germline.

Illumina Laboratory Services, Illumina
Classification: Uncertain significance for Leber congenital amaurosis 6. Last evaluated: 2018-01-13. Review status: criteria provided, single submitter. Criteria: ICSL Variant Classification Criteria 13 December 2019. Collection method: clinical testing. Allele origin: germline.

Eurofins Ntd Llc (ga)
Classification: Benign. Last evaluated: 2015-12-21. Review status: criteria provided, single submitter. Criteria: EGL Classification Definitions 2015. Collection method: clinical testing. Allele origin: germline. Observed: 1 variant allele, 1 heterozygote.

PreventionGenetics, part of Exact Sciences
Classification: Likely benign for RPGRIP1-related condition. Last evaluated: 2020-12-21. Review status: no assertion criteria provided. Collection method: clinical testing. Allele origin: germline. Not counted in ClinVar's aggregate classification.
Comment: This variant is classified as likely benign based on ACMG/AMP sequence variant interpretation guidelines (Richards et al. 2015 PMID: 25741868, with internal and published modifications).

NM_020366.4(RPGRIP1):c.542C>G (p.Ala181Gly)

Gene: RPGRIP1 (RPGR interacting protein 1; plus strand). Cytogenetic location: 14q11.2.
Variant type: single nucleotide variant.
Coding change: c.542C>G on transcript NM_020366.4 (MANE Select); coding-DNA position 542, C replaced by G.
Protein change: p.Ala181Gly; replaces alanine 181 with glycine.
Molecular consequence: missense variant.
Genome position (GRCh38, 1-based): chr14:21,302,539, C>G. VCF-style: chr14-21302539-C-G. GRCh37 (hg19) VCF-style: chr14-21770698-C-G.
Other names: short protein forms A181G.
Identifiers: ClinVar variation 285108 (VCV000285108.25), dbSNP rs186266220, ClinGen allele CA7088688.